The following is an entry in ClinVar:

NM_001372044.2(SHANK3):c.1907C>G (p.Ser636Ter)

Genes: SHANK3 (SH3 and multiple ankyrin repeat domains 3; plus strand), LOC126863188 (CDK7 strongly-dependent group 2 enhancer GRCh37_chr22:51142004-51143203; plus strand). Cytogenetic location: 22q13.33.
Variant type: single nucleotide variant.
Coding change: c.1907C>G on transcript NM_001372044.2 (MANE Select); coding-DNA position 1907, C replaced by G.
Protein change: p.Ser636Ter; replaces serine 636 with a stop codon.
Molecular consequence: nonsense.
Genome position (GRCh38, 1-based): chr22:50,703,929, C>G. VCF-style: chr22-50703929-C-G. GRCh37 (hg19) VCF-style: chr22-51142357-C-G.
Other names: c.1682C>G (NM_033517.1); short protein forms S636*.
Identifiers: ClinVar variation 3393721 (VCV003393721.1).

ClinVar aggregate classification (germline): Uncertain significance (1 of 4 stars; one submission).

Submission:

GeneDx
Classification: Uncertain significance. Last evaluated: 2024-07-02. Review status: criteria provided, single submitter. Criteria: GeneDx Variant Classification Process June 2021. Collection method: clinical testing. Allele origin: germline. Affected: yes.
Comment: Not observed at significant frequency in large population cohorts (gnomAD); Loss-of-function variant in the 5' region of the gene where loss-of-function has not been definitively established as a disease mechanism (PMID: 28179641); Has not been previously published as pathogenic or benign to our knowledge; This variant is associated with the following publications: (PMID: 28179641)